The following is an entry in ClinVar:

ClinVar aggregate classification (germline): Uncertain significance (1 of 4 stars; one submission).

gnomAD v4.1: 1 of 1,613,584 alleles (0.000062%); highest among the groups gnomAD compares: Non-Finnish European, 0.000085%; no homozygotes.

Submission:

Labcorp Genetics (formerly Invitae), Labcorp
Classification: Uncertain significance. Last evaluated: 2022-01-03. Review status: criteria provided, single submitter. Criteria: Invitae Variant Classification Sherloc (09022015). Collection method: clinical testing. Allele origin: germline.
Comment: In summary, the available evidence is currently insufficient to determine the role of this variant in disease. Therefore, it has been classified as a Variant of Uncertain Significance. Algorithms developed to predict the effect of missense changes on protein structure and function (SIFT, PolyPhen-2, Align-GVGD) all suggest that this variant is likely to be disruptive. This variant has not been reported in the literature in individuals affected with DTNBP1-related conditions. This variant is not present in population databases (gnomAD no frequency). This sequence change replaces serine, which is neutral and polar, with phenylalanine, which is neutral and non-polar, at codon 230 of the DTNBP1 protein (p.Ser230Phe).

NM_032122.5(DTNBP1):c.689C>T (p.Ser230Phe)

Gene: DTNBP1 (dystrobrevin binding protein 1; minus strand). Cytogenetic location: 6p22.3.
Variant type: single nucleotide variant.
Coding change: c.689C>T on transcript NM_032122.5 (MANE Select); coding-DNA position 689, C replaced by T.
Protein change: p.Ser230Phe; replaces serine 230 with phenylalanine.
Molecular consequence: missense variant. On other transcripts: non-coding transcript variant (1).
Genome position (GRCh38, 1-based): chr6:15,524,648, G>A on the plus strand (C>T on the coding strand, the complement: DTNBP1 is on the minus strand). VCF-style: chr6-15524648-G-A. GRCh37 (hg19) VCF-style: chr6-15524879-G-A.
Other names: c.446C>T, p.Ser149Phe (NM_001271667.2, NM_183041.1); c.638C>T, p.Ser213Phe (NM_001271668.2); c.584C>T, p.Ser195Phe (NM_001271669.2); c.689C>T, p.Ser230Phe (NM_183040.2); short protein forms S195F, S230F, S149F, S213F.
Identifiers: ClinVar variation 2071475 (VCV002071475.4), dbSNP rs1227131916, ClinGen allele CA362806513.